The following is an entry in ClinVar:

NM_003560.4(PLA2G6):c.495G>C (p.Gly165=)

Gene: PLA2G6 (phospholipase A2 group VI; minus strand). Cytogenetic location: 22q13.1.
Variant type: single nucleotide variant.
Coding change: c.495G>C on transcript NM_003560.4 (MANE Select); coding-DNA position 495, G replaced by C.
Protein change: p.Gly165=; no amino-acid change (glycine 165 retained).
Molecular consequence: synonymous variant. On other transcripts: 5 prime UTR variant (2), missense variant (1).
Genome position (GRCh38, 1-based): chr22:38,143,219, C>G on the plus strand (G>C on the coding strand, the complement: PLA2G6 is on the minus strand). VCF-style: chr22-38143219-C-G. GRCh37 (hg19) VCF-style: chr22-38539226-C-G.
Other names: p.Gly165=; c.495G>C, p.Gly165= (NM_001004426.3, NM_001199562.3, NM_001349864.2 and 2 more transcripts); c.-40G>C (NM_001349867.2, NM_001349869.2); c.5G>C, p.Gly2Ala (NM_001349868.2); short protein forms G2A.
Identifiers: ClinVar variation 159771 (VCV000159771.48), dbSNP rs150190277, ClinGen allele CA173276.

ClinVar aggregate classification (germline): Conflicting classifications of pathogenicity. Review status: criteria provided, conflicting classifications (1 of 4 stars). 8 submissions from 8 submitters: Uncertain significance (1); Benign (3); Likely benign (2). 2 of the submissions do not count toward it. Last evaluated 2026-01-28.

Conditions:
Infantile neuroaxonal dystrophy (NBIA2A). Also called: SEITELBERGER DISEASE; NEURODEGENERATION WITH BRAIN IRON ACCUMULATION 2A; Infantile neuroaxonal dystrophy 1. Identifiers: Orphanet 35069, MedGen C0270724, MONDO:0024457, OMIM 256600.
Iron accumulation in brain. Identifiers: MedGen C4021076, HP:0012675.

Allele frequency attached by ClinVar (database versions not stated): 1000 Genomes Project 0.00479; 1000 Genomes Project 30x 0.00547; gnomAD exomes 0.00040 and 0.00093; ExAC 0.00115; ESP Exome Variant Server 0.00331; gnomAD 0.00357 and 0.00372; TOPMed 0.00392.
gnomAD v4.1: 1,165 of 1,614,166 alleles (0.072%); highest among the groups gnomAD compares: African/African-American, 1.2%; 6 homozygotes.

Submissions (8):

Labcorp Genetics (formerly Invitae), Labcorp
Classification: Benign for Infantile neuroaxonal dystrophy. Last evaluated: 2026-01-28. Review status: criteria provided, single submitter. Criteria: Invitae Variant Classification Sherloc (09022015). Collection method: clinical testing. Allele origin: germline.

Mayo Clinic Laboratories, Mayo Clinic
Classification: Benign. Last evaluated: 2025-01-28. Review status: criteria provided, single submitter. Criteria: ACMG Guidelines, 2015. Collection method: clinical testing. Allele origin: germline. Observed: 2 variant alleles.
Comment: BA1

Blueprint Genetics
Classification: Likely benign. Last evaluated: 2024-10-08. Review status: criteria provided, single submitter. Criteria: ACMG Guidelines, 2015. Collection method: clinical testing. Allele origin: germline.

CeGaT Center for Human Genetics Tuebingen
Classification: Benign. Last evaluated: 2023-09-01. Review status: criteria provided, single submitter. Criteria: CeGaT Center For Human Genetics Tuebingen Variant Classification Criteria Version 2. Collection method: clinical testing. Allele origin: germline. Affected: yes. Observed: 1 variant allele.
Comment: PLA2G6: BP4, BP7, BS1, BS2

GeneDx
Classification: Likely benign. Last evaluated: 2021-04-06. Review status: criteria provided, single submitter. Criteria: GeneDx Variant Classification Process June 2021. Collection method: clinical testing. Allele origin: germline. Affected: yes.

Genetic Services Laboratory, University of Chicago
Classification: Uncertain significance for iron accumulation in brain. Last evaluated: 2013-02-08. Review status: criteria provided, single submitter. Criteria: ACMG Guidelines, 2007. Collection method: clinical testing. Allele origin: germline. Inheritance: Autosomal recessive inheritance.

Clinical Genetics DNA and cytogenetics Diagnostics Lab, Erasmus MC, Erasmus Medical Center
Classification: Benign. Review status: no assertion criteria provided. Collection method: clinical testing. Allele origin: germline. Affected: yes. Study: VKGL Data-share Consensus. Not counted in ClinVar's aggregate classification.

Clinical Genetics, Academic Medical Center
Classification: Benign. Review status: no assertion criteria provided. Collection method: clinical testing. Allele origin: germline. Affected: yes. Study: VKGL Data-share Consensus. Not counted in ClinVar's aggregate classification.